The following is an entry in ClinVar:

ClinVar aggregate classification (germline): Uncertain significance. Review status: criteria provided, multiple submitters, no conflicts (2 of 4 stars). 5 submissions from 5 submitters: Uncertain significance (5). Last evaluated 2026-05-07.

Conditions:
SMARCA4-related disorder. Also called: SMARCA4-related condition.
Hereditary cancer-predisposing syndrome. Also called: Neoplastic Syndromes, Hereditary; Hereditary neoplastic syndrome; Hereditary Cancer Syndrome; Tumor predisposition. Identifiers: Orphanet 140162, MedGen C0027672, MeSH D009386, MONDO:0015356.
Intellectual disability, autosomal dominant 16 (CSS4). Also called: COFFIN-SIRIS SYNDROME 4. Identifiers: Orphanet 1465, MedGen C3553249, MONDO:0013821, OMIM 614609.
Rhabdoid tumor predisposition syndrome 2 (RTPS2). Identifiers: Orphanet 231108, Orphanet 69077, MedGen C2750074, MONDO:0013224, OMIM 613325.

Allele frequency attached by ClinVar (database versions not stated): gnomAD exomes below 0.00001; gnomAD 0.00001.
gnomAD v4.1: 4 of 1,601,494 alleles (0.00025%); highest among the groups gnomAD compares: African/African-American, 0.0013%; no homozygotes.

Submissions (5):

PreventionGenetics, part of Exact Sciences
Classification: Uncertain significance for SMARCA4-related condition. Last evaluated: 2026-05-07. Review status: criteria provided, single submitter. Criteria: ACMG Guidelines, 2015. Collection method: clinical testing. Allele origin: germline.
Comment: The SMARCA4 c.947C>T variant is predicted to result in the amino acid substitution p.Pro316Leu. To our knowledge, this variant has not been reported in the literature. This variant is reported in 0.0048% of alleles in individuals of African descent in gnomAD. At this time, the clinical significance of this variant is uncertain due to the absence of conclusive functional and genetic evidence.

Labcorp Genetics (formerly Invitae), Labcorp
Classification: Uncertain significance for Rhabdoid tumor predisposition syndrome 2. Last evaluated: 2025-09-02. Review status: criteria provided, single submitter. Criteria: Invitae Variant Classification Sherloc (09022015). Collection method: clinical testing. Allele origin: germline.
Comment: This sequence change replaces proline, which is neutral and non-polar, with leucine, which is neutral and non-polar, at codon 316 of the SMARCA4 protein (p.Pro316Leu). This variant is present in population databases (no rsID available, gnomAD 0.005%). This variant has not been reported in the literature in individuals affected with SMARCA4-related conditions. ClinVar contains an entry for this variant (Variation ID: 238532). Invitae Evidence Modeling of protein sequence and biophysical properties (such as structural, functional, and spatial information, amino acid conservation, physicochemical variation, residue mobility, and thermodynamic stability) has been performed for this missense variant. However, the output from this modeling did not meet the statistical confidence thresholds required to predict the impact of this variant on SMARCA4 protein function. In summary, the available evidence is currently insufficient to determine the role of this variant in disease. Therefore, it has been classified as a Variant of Uncertain Significance.

Ambry Genetics
Classification: Uncertain significance for Hereditary cancer-predisposing syndrome. Last evaluated: 2025-01-14. Review status: criteria provided, single submitter. Criteria: Ambry Variant Classification Scheme 2023. Collection method: clinical testing. Allele origin: germline.
Comment: The p.P316L variant (also known as c.947C>T), located in coding exon 5 of the SMARCA4 gene, results from a C to T substitution at nucleotide position 947. The proline at codon 316 is replaced by leucine, an amino acid with similar properties. This amino acid position is well conserved in available vertebrate species. In addition, the in silico prediction for this alteration is inconclusive. This variant was detected in multiple individuals with no reported features of Coffin-Siris syndrome (Ambry internal data). Based on the supporting evidence, the association of this alteration with rhabdoid tumor predisposition syndrome is unknown; however, the association of this alteration with Coffin-Siris syndrome is unlikely.

Baylor Genetics
Classification: Uncertain significance for Rhabdoid tumor predisposition syndrome 2. Last evaluated: 2023-11-07. Review status: criteria provided, single submitter. Criteria: ACMG Guidelines, 2015. Collection method: clinical testing. Allele origin: unknown.

Genome-Nilou Lab
Classification: Uncertain significance for Intellectual disability, autosomal dominant 16. Last evaluated: 2021-07-15. Review status: criteria provided, single submitter. Criteria: ACMG Guidelines, 2015. Collection method: clinical testing. Allele origin: germline. Affected: no.

NM_003072.5(SMARCA4):c.947C>T (p.Pro316Leu)

Gene: SMARCA4 (SWI/SNF related BAF chromatin remodeling complex subunit ATPase 4; plus strand). Cytogenetic location: 19p13.2.
Variant type: single nucleotide variant.
Coding change: c.947C>T on transcript NM_003072.5 (MANE Select); coding-DNA position 947, C replaced by T.
Protein change: p.Pro316Leu; replaces proline 316 with leucine.
Molecular consequence: missense variant. On other transcripts: non-coding transcript variant (1).
Genome position (GRCh38, 1-based): chr19:10,987,753, C>T. VCF-style: chr19-10987753-C-T. GRCh37 (hg19) VCF-style: chr19-11098429-C-T.
Other names: c.947C>T, p.Pro316Leu (NM_001128844.3, NM_001128845.2, NM_001128846.2 and 5 more transcripts); short protein forms P316L.
Identifiers: ClinVar variation 238532 (VCV000238532.21), dbSNP rs878854245, ClinGen allele CA10583726.